The following is an entry in ClinVar:

ClinVar aggregate classification (germline): Uncertain significance. Review status: criteria provided, multiple submitters, no conflicts (2 of 4 stars). 2 submissions from 2 submitters: Uncertain significance (2). Last evaluated 2025-08-30.

Conditions:
Inborn genetic diseases. Identifiers: MedGen C0950123, MeSH D030342.

Allele frequency attached by ClinVar (database versions not stated): ExAC 0.00004; ESP Exome Variant Server 0.00008; gnomAD 0.00025; TOPMed 0.00025.
gnomAD v4.1: 64 of 1,614,030 alleles (0.004%); highest among the groups gnomAD compares: African/African-American, 0.076%; no homozygotes.

Submissions (2):

Ambry Genetics
Classification: Uncertain significance for Inborn genetic diseases. Last evaluated: 2025-08-30. Review status: criteria provided, single submitter. Criteria: Ambry Variant Classification Scheme 2023. Collection method: clinical testing. Allele origin: germline.

Labcorp Genetics (formerly Invitae), Labcorp
Classification: Uncertain significance. Last evaluated: 2022-08-19. Review status: criteria provided, single submitter. Criteria: Invitae Variant Classification Sherloc (09022015). Collection method: clinical testing. Allele origin: germline.
Comment: This sequence change replaces valine, which is neutral and non-polar, with leucine, which is neutral and non-polar, at codon 257 of the SGPL1 protein (p.Val257Leu). This variant is present in population databases (rs373068535, gnomAD 0.07%). This variant has not been reported in the literature in individuals affected with SGPL1-related conditions. Algorithms developed to predict the effect of missense changes on protein structure and function (SIFT, PolyPhen-2, Align-GVGD) all suggest that this variant is likely to be tolerated. In summary, the available evidence is currently insufficient to determine the role of this variant in disease. Therefore, it has been classified as a Variant of Uncertain Significance.

NM_003901.4(SGPL1):c.769G>T (p.Val257Leu)

Gene: SGPL1 (sphingosine-1-phosphate lyase 1; plus strand). Cytogenetic location: 10q22.1.
Variant type: single nucleotide variant.
Coding change: c.769G>T on transcript NM_003901.4 (MANE Select); coding-DNA position 769, G replaced by T.
Protein change: p.Val257Leu; replaces valine 257 with leucine.
Molecular consequence: missense variant.
Genome position (GRCh38, 1-based): chr10:70,869,856, G>T. VCF-style: chr10-70869856-G-T. GRCh37 (hg19) VCF-style: chr10-72629613-G-T.
Other names: c.769G>T (NM_003901.3); short protein forms V257L.
Identifiers: ClinVar variation 2182284 (VCV002182284.4), dbSNP rs373068535, ClinGen allele CA5541291.